The following is an entry in ClinVar:

NM_015046.7(SETX):c.1246C>G (p.Gln416Glu)

Gene: SETX (senataxin; minus strand). Cytogenetic location: 9q34.13.
Variant type: single nucleotide variant.
Coding change: c.1246C>G on transcript NM_015046.7 (MANE Select); coding-DNA position 1246, C replaced by G.
Protein change: p.Gln416Glu; replaces glutamine 416 with glutamic acid.
Molecular consequence: missense variant.
Genome position (GRCh38, 1-based): chr9:132,330,352, G>C on the plus strand (C>G on the coding strand, the complement: SETX is on the minus strand). VCF-style: chr9-132330352-G-C. GRCh37 (hg19) VCF-style: chr9-135205739-G-C.
Other names: c.1246C>G, p.Gln416Glu (NM_001351527.2, NM_001351528.2); short protein forms Q416E.
Identifiers: ClinVar variation 4981827 (VCV004981827.1).
Genomic context (GRCh38, chr9:132,330,352, plus strand): 5'-GATGATTAACAACCTGTGCTATGTAAGCCACACCCAAATCCTTAAGATCCATGAGGGACT[G>C]GACAAAAGGGATGAACCATAGAAATGTGCTGTTATGAACACGCATGTCTTGACCAATATC-3'
Protein context (NP_055861.3, residues 406-426): STFLWFIPFV[Gln416Glu]SLMDLKDLGV

ClinVar aggregate classification (germline): Uncertain significance (1 of 4 stars; one submission).

Conditions:
SETX-related disorder. Also called: SETX-related condition; SETX-related disorders. Identifiers: MedGen CN239403.

Submission:

PreventionGenetics, part of Exact Sciences
Classification: Uncertain significance for SETX-related condition. Last evaluated: 2026-01-07. Review status: criteria provided, single submitter. Criteria: ACMG Guidelines, 2015. Collection method: clinical testing. Allele origin: germline.
Comment: The SETX c.1246C>G variant is predicted to result in the amino acid substitution p.Gln416Glu. To our knowledge, this variant has not been reported in the literature or in a large population database (gnomAD), indicating this variant is rare. At this time, the clinical significance of this variant is uncertain due to the absence of conclusive functional and genetic evidence.